The following is an entry in ClinVar:

ClinVar aggregate classification (germline): Uncertain significance. Review status: criteria provided, multiple submitters, no conflicts (2 of 4 stars). 2 submissions from 2 submitters: Uncertain significance (2). Last evaluated 2024-11-26.

Conditions:
Inborn genetic diseases. Identifiers: MedGen C0950123, MeSH D030342.

Allele frequency attached by ClinVar (database versions not stated): ExAC 0.00002; 1000 Genomes Project 0.00020; 1000 Genomes Project 30x 0.00031.
gnomAD v4.1: 21 of 1,613,948 alleles (0.0013%); highest among the groups gnomAD compares: African/African-American, 0.025%; no homozygotes.

Submissions (2):

Ambry Genetics
Classification: Uncertain significance for Inborn genetic diseases. Last evaluated: 2024-11-26. Review status: criteria provided, single submitter. Criteria: Ambry Variant Classification Scheme 2023. Collection method: clinical testing. Allele origin: germline.

GeneDx
Classification: Uncertain significance. Last evaluated: 2022-11-03. Review status: criteria provided, single submitter. Criteria: GeneDx Variant Classification Process June 2021. Collection method: clinical testing. Allele origin: germline. Affected: yes.
Comment: In silico analysis supports that this missense variant does not alter protein structure/function; Has not been previously published as pathogenic or benign to our knowledge

NM_005245.4(FAT1):c.11247T>A (p.Asp3749Glu)

Genes: FAT1 (FAT atypical cadherin 1; minus strand), LOC126807254 (BRD4-independent group 4 enhancer GRCh37_chr4:187524269-187525468; plus strand). Cytogenetic location: 4q35.2.
Variant type: single nucleotide variant.
Coding change: c.11247T>A on transcript NM_005245.4 (MANE Select); coding-DNA position 11247, T replaced by A.
Protein change: p.Asp3749Glu; replaces aspartic acid 3749 with glutamic acid.
Molecular consequence: missense variant.
Genome position (GRCh38, 1-based): chr4:186,603,279, A>T on the plus strand (T>A on the coding strand, the complement: FAT1 is on the minus strand). VCF-style: chr4-186603279-A-T. GRCh37 (hg19) VCF-style: chr4-187524433-A-T.
Other names: short protein forms D3749E.
Identifiers: ClinVar variation 2501473 (VCV002501473.2), dbSNP rs145963507, ClinGen allele CA3165159.